The following is an entry in ClinVar:

NM_006767.4(LZTR1):c.2220-206_2220-199del

Gene: LZTR1 (leucine zipper like post translational regulator 1; plus strand). Cytogenetic location: 22q11.21.
Variant type: Deletion.
Coding change: c.2220-206_2220-199del on transcript NM_006767.4 (MANE Select); 206 bases into the intron before coding-DNA position 2220 through 199 bases into the intron before coding-DNA position 2220, 8 bases deleted (TGTACAGA; older notation c.2220-206_2220-199delTGTACAGA).
Molecular consequence: intron variant.
Genome position (GRCh38, 1-based): chr22:20,996,490-20,996,497, TGTACAGA deleted; deleting any 8 consecutive bases within chr22:20,996,484-20,996,497 gives the same sequence; the c. name uses the placement nearest the transcript's 3' end. VCF-style (leftmost placement, unchanged base first): chr22-20996483-CTACAGATG-C. GRCh37 (hg19) VCF-style: chr22-21350772-CTACAGATG-C.
Identifiers: ClinVar variation 2580826 (VCV002580826.1), dbSNP rs556102262, ClinGen allele CA322271738.

ClinVar aggregate classification (germline): Likely benign (1 of 4 stars; one submission).

Submission:

GeneDx
Classification: Likely benign. Last evaluated: 2020-03-11. Review status: criteria provided, single submitter. Criteria: GeneDx Variant Classification Process June 2021. Collection method: clinical testing. Allele origin: germline. Affected: yes.
Comment: See Variant Classification Assertion Criteria.